The following is an entry in ClinVar:

ClinVar aggregate classification (germline): Uncertain significance (1 of 4 stars; one submission).

Conditions:
Marfan syndrome (MFS). Also called: MARFAN SYNDROME, TYPE I; FBN1-Related Marfan Syndrome; Marfan syndrome type 1; Marfan's syndrome; Marfan syndrome, classic. Identifiers: Orphanet 284963, Orphanet 558, MedGen C0024796, MONDO:0007947, OMIM 154700.
Familial thoracic aortic aneurysm and aortic dissection (TAAD). Also called: Thoracic aortic aneurysms and dissections. Identifiers: Orphanet 91387, MedGen C4707243, MONDO:0019625.

Allele frequency attached by ClinVar (database versions not stated): gnomAD exomes below 0.00001.
gnomAD v4.1: 2 of 1,614,106 alleles (0.00012%); highest among the groups gnomAD compares: African/African-American, 0.0013%; no homozygotes.

Submission:

Labcorp Genetics (formerly Invitae), Labcorp
Classification: Uncertain significance for Marfan syndrome; Familial thoracic aortic aneurysm and aortic dissection. Last evaluated: 2020-02-11. Review status: criteria provided, single submitter. Criteria: Invitae Variant Classification Sherloc (09022015). Collection method: clinical testing. Allele origin: germline.
Comment: This sequence change falls in intron 34 of the FBN1 gene. It does not directly change the encoded amino acid sequence of the FBN1 protein, but it affects a nucleotide within the consensus splice site of the intron. This variant is not present in population databases (ExAC no frequency). This variant has not been reported in the literature in individuals with FBN1-related disease. Nucleotide substitutions within the consensus splice site are relatively common causes of aberrant splicing (PMID: 17576681, 9536098). Algorithms developed to predict the effect of sequence changes on RNA splicing suggest that this variant may disrupt the consensus splice site, but this prediction has not been confirmed by published transcriptional studies. In summary, the available evidence is currently insufficient to determine the role of this variant in disease. Therefore, it has been classified as a Variant of Uncertain Significance.

Literature cited by the submitters: PubMed 17576681; PubMed 9536098.

NM_000138.5(FBN1):c.4210+3A>G

Gene: FBN1 (fibrillin 1; minus strand). Cytogenetic location: 15q21.1.
Variant type: single nucleotide variant.
Coding change: c.4210+3A>G on transcript NM_000138.5 (MANE Select); 3 bases into the intron after coding-DNA position 4210, A replaced by G.
Molecular consequence: intron variant.
Genome position (GRCh38, 1-based): chr15:48,474,252, T>C on the plus strand (A>G on the coding strand, the complement: FBN1 is on the minus strand). VCF-style: chr15-48474252-T-C. GRCh37 (hg19) VCF-style: chr15-48766449-T-C.
Identifiers: ClinVar variation 457204 (VCV000457204.8), dbSNP rs1457293645, ClinGen allele CA617833709.